The following is an entry in ClinVar:

NM_005477.3(HCN4):c.3275C>A (p.Ala1092Asp)

Gene: HCN4 (hyperpolarization activated cyclic nucleotide gated potassium channel 4; minus strand). Cytogenetic location: 15q24.1.
Variant type: single nucleotide variant.
Coding change: c.3275C>A on transcript NM_005477.3 (MANE Select); coding-DNA position 3275, C replaced by A.
Protein change: p.Ala1092Asp; replaces alanine 1092 with aspartic acid.
Molecular consequence: missense variant.
Genome position (GRCh38, 1-based): chr15:73,322,818, G>T on the plus strand (C>A on the coding strand, the complement: HCN4 is on the minus strand). VCF-style: chr15-73322818-G-T. GRCh37 (hg19) VCF-style: chr15-73615159-G-T.
Other names: short protein forms A1092D.
Identifiers: ClinVar variation 2140916 (VCV002140916.4), dbSNP rs2549068036, ClinGen allele CA393085828.

ClinVar aggregate classification (germline): Uncertain significance (1 of 4 stars; one submission).

Conditions:
Brugada syndrome 8 (BRGDA8). Identifiers: Orphanet 130, MedGen C2751083, MONDO:0013148, OMIM 613123.

Submission:

Labcorp Genetics (formerly Invitae), Labcorp
Classification: Uncertain significance for Brugada syndrome 8. Last evaluated: 2022-03-18. Review status: criteria provided, single submitter. Criteria: Invitae Variant Classification Sherloc (09022015). Collection method: clinical testing. Allele origin: germline.
Comment: This sequence change replaces alanine, which is neutral and non-polar, with aspartic acid, which is acidic and polar, at codon 1092 of the HCN4 protein (p.Ala1092Asp). This variant is not present in population databases (gnomAD no frequency). This variant has not been reported in the literature in individuals affected with HCN4-related conditions. Advanced modeling of protein sequence and biophysical properties (such as structural, functional, and spatial information, amino acid conservation, physicochemical variation, residue mobility, and thermodynamic stability) performed at Invitae indicates that this missense variant is not expected to disrupt HCN4 protein function. In summary, the available evidence is currently insufficient to determine the role of this variant in disease. Therefore, it has been classified as a Variant of Uncertain Significance.